The following is an entry in ClinVar:

NM_182961.4(SYNE1):c.1825G>A (p.Glu609Lys)

Gene: SYNE1 (spectrin repeat containing nuclear envelope protein 1; minus strand). Cytogenetic location: 6q25.2.
Variant type: single nucleotide variant.
Coding change: c.1825G>A on transcript NM_182961.4 (MANE Select); coding-DNA position 1825, G replaced by A.
Protein change: p.Glu609Lys; replaces glutamic acid 609 with lysine.
Molecular consequence: missense variant.
Genome position (GRCh38, 1-based): chr6:152,465,365, C>T on the plus strand (G>A on the coding strand, the complement: SYNE1 is on the minus strand). VCF-style: chr6-152465365-C-T. GRCh37 (hg19) VCF-style: chr6-152786500-C-T.
Other names: c.1846G>A, p.Glu616Lys (NM_033071.5); short protein forms E616K, E609K.
Identifiers: ClinVar variation 1479583 (VCV001479583.8), dbSNP rs2154269816, ClinGen allele CA366127463.

ClinVar aggregate classification (germline): Uncertain significance (1 of 4 stars; one submission).

Conditions:
Autosomal recessive ataxia, Beauce type. Also called: SYNE1-Related Autosomal Recessive Cerebellar Ataxia; Spinocerebellar ataxia, autosomal recessive 8; ATAXIA, RECESSIVE, OF BEAUCE; SYNE1 Deficiency. Identifiers: Orphanet 88644, MedGen C1853116, MONDO:0012549, OMIM 610743.
Emery-Dreifuss muscular dystrophy 4, autosomal dominant (EDMD4). Also called: EMERY-DREIFUSS MUSCULAR DYSTROPHY 4 WITH VARIABLE FEATURES. Identifiers: Orphanet 261, MedGen C2751807, MONDO:0013071, OMIM 612998.

gnomAD v4.1: 2 of 1,613,870 alleles (0.00012%); highest among the groups gnomAD compares: Non-Finnish European, 0.00017%; no homozygotes.

Submission:

Labcorp Genetics (formerly Invitae), Labcorp
Classification: Uncertain significance for Emery-Dreifuss muscular dystrophy 4, autosomal dominant; Autosomal recessive ataxia, Beauce type. Last evaluated: 2022-03-18. Review status: criteria provided, single submitter. Criteria: Invitae Variant Classification Sherloc (09022015). Collection method: clinical testing. Allele origin: germline.
Comment: In summary, the available evidence is currently insufficient to determine the role of this variant in disease. Therefore, it has been classified as a Variant of Uncertain Significance. Algorithms developed to predict the effect of missense changes on protein structure and function are either unavailable or do not agree on the potential impact of this missense change (SIFT: "Deleterious"; PolyPhen-2: "Probably Damaging"; Align-GVGD: "Class C0"). This variant has not been reported in the literature in individuals affected with SYNE1-related conditions. This variant is not present in population databases (gnomAD no frequency). This sequence change replaces glutamic acid, which is acidic and polar, with lysine, which is basic and polar, at codon 616 of the SYNE1 protein (p.Glu616Lys).